The following is an entry in ClinVar:

ClinVar aggregate classification (germline): Conflicting classifications of pathogenicity. Review status: criteria provided, conflicting classifications (1 of 4 stars). 2 submissions from 2 submitters: Uncertain significance (1); Likely benign (1). Last evaluated 2023-08-24.

Conditions:
Duchenne muscular dystrophy (DMD). Also called: MUSCULAR DYSTROPHY, PSEUDOHYPERTROPHIC PROGRESSIVE, DUCHENNE TYPE; Duchenne Muscular Dystrophy (DMD). Identifiers: Orphanet 98896, MedGen C0013264, MONDO:0010679, OMIM 310200.

Submissions (2):

Labcorp Genetics (formerly Invitae), Labcorp
Classification: Likely benign for Duchenne muscular dystrophy. Last evaluated: 2023-08-24. Review status: criteria provided, single submitter. Criteria: Invitae Variant Classification Sherloc (09022015). Collection method: clinical testing. Allele origin: germline.

GeneDx
Classification: Uncertain significance. Last evaluated: 2022-11-14. Review status: criteria provided, single submitter. Criteria: GeneDx Variant Classification Process June 2021. Collection method: clinical testing. Allele origin: germline. Affected: yes.
Comment: Has not been previously published as pathogenic or benign to our knowledge; Not observed at significant frequency in large population cohorts (gnomAD); In silico analysis supports that this missense variant does not alter protein structure/function

NM_004006.3(DMD):c.7795G>T (p.Ala2599Ser)

Gene: DMD (dystrophin; minus strand). Cytogenetic location: Xp21.1.
Variant type: single nucleotide variant.
Coding change: c.7795G>T on transcript NM_004006.3 (MANE Select); coding-DNA position 7795, G replaced by T.
Protein change: p.Ala2599Ser; replaces alanine 2599 with serine.
Molecular consequence: missense variant.
Genome position (GRCh38, 1-based): chrX:31,679,452, C>A on the plus strand (G>T on the coding strand, the complement: DMD is on the minus strand). VCF-style: chrX-31679452-C-A. GRCh37 (hg19) VCF-style: chrX-31697569-C-A.
Other names: c.7771G>T, p.Ala2591Ser (NM_000109.4); c.7783G>T, p.Ala2595Ser (NM_004009.3); c.7426G>T, p.Ala2476Ser (NM_004010.3); c.3772G>T, p.Ala1258Ser (NM_004011.4); c.3763G>T, p.Ala1255Ser (NM_004012.4); c.415G>T, p.Ala139Ser (NM_004013.3, NM_004020.4, NM_004021.3 and 2 more transcripts); short protein forms A139S, A1255S, A2599S, A1258S, A2591S, A2595S, A2476S.
Identifiers: ClinVar variation 642574 (VCV000642574.10), dbSNP rs1569220550, ClinGen allele CA412656717.